The following is an entry in ClinVar:

ClinVar aggregate classification (germline): Conflicting classifications of pathogenicity. Review status: criteria provided, conflicting classifications (1 of 4 stars). 3 submissions from 3 submitters: Uncertain significance (1); Likely benign (2). Last evaluated 2025-11-25.

Conditions:
PROM1-related disorder. Also called: PROM1-related condition; PROM1-related disorders.

Allele frequency attached by ClinVar (database versions not stated): TOPMed 0.00009.
gnomAD v4.1: 35 of 1,554,862 alleles (0.0023%); highest among the groups gnomAD compares: East Asian, 0.077%; no homozygotes.

Submissions (3):

PreventionGenetics, part of Exact Sciences
Classification: Likely benign for PROM1-related condition. Last evaluated: 2025-11-25. Review status: criteria provided, single submitter. Criteria: ACMG Guidelines, 2015. Collection method: clinical testing. Allele origin: germline.
Comment: This variant is classified as likely benign based on ACMG/AMP sequence variant interpretation guidelines (Richards et al. 2015 PMID: 25741868, with internal and published modifications).

Blueprint Genetics
Classification: Uncertain significance. Last evaluated: 2023-05-03. Review status: criteria provided, single submitter. Criteria: ACMG Guidelines, 2015. Collection method: clinical testing. Allele origin: germline.

Labcorp Genetics (formerly Invitae), Labcorp
Classification: Likely benign. Last evaluated: 2022-08-22. Review status: criteria provided, single submitter. Criteria: Invitae Variant Classification Sherloc (09022015). Collection method: clinical testing. Allele origin: germline.

NM_006017.3(PROM1):c.2458C>G (p.Arg820Gly)

Gene: PROM1 (prominin 1; minus strand). Cytogenetic location: 4p15.32.
Variant type: single nucleotide variant.
Coding change: c.2458C>G on transcript NM_006017.3 (MANE Select); coding-DNA position 2458, C replaced by G.
Protein change: p.Arg820Gly; replaces arginine 820 with glycine.
Molecular consequence: missense variant.
Genome position (GRCh38, 1-based): chr4:15,980,453, G>C on the plus strand (C>G on the coding strand, the complement: PROM1 is on the minus strand). VCF-style: chr4-15980453-G-C. GRCh37 (hg19) VCF-style: chr4-15982076-G-C.
Other names: c.2431C>G, p.Arg811Gly (NM_001145847.2, NM_001145848.2, NM_001145851.2 and 4 more transcripts); c.2458C>G, p.Arg820Gly (NM_001145849.2, NM_001145850.2); c.2458C>G (NM_006017.2); short protein forms R811G, R820G.
Identifiers: ClinVar variation 1138798 (VCV001138798.11), dbSNP rs755446696, ClinGen allele CA2866389.